The following is an entry in ClinVar:

NM_032043.3(BRIP1):c.190C>T (p.Gln64Ter)

Gene: BRIP1 (BRCA1 interacting DNA helicase 1; minus strand). Cytogenetic location: 17q23.2.
Variant type: single nucleotide variant.
Coding change: c.190C>T on transcript NM_032043.3 (MANE Select); coding-DNA position 190, C replaced by T.
Protein change: p.Gln64Ter; replaces glutamine 64 with a stop codon.
Molecular consequence: nonsense.
Genome position (GRCh38, 1-based): chr17:61,859,811, G>A on the plus strand (C>T on the coding strand, the complement: BRIP1 is on the minus strand). VCF-style: chr17-61859811-G-A. GRCh37 (hg19) VCF-style: chr17-59937172-G-A.
Other names: short protein forms Q64*.
Identifiers: ClinVar variation 1458172 (VCV001458172.9), dbSNP rs2145849937, ClinGen allele CA400485676.

ClinVar aggregate classification (germline): Pathogenic. Review status: criteria provided, multiple submitters, no conflicts (2 of 4 stars). 2 submissions from 2 submitters: Pathogenic (2). Last evaluated 2020-11-23.

Conditions:
Hereditary cancer-predisposing syndrome. Also called: Hereditary Cancer Syndrome; Hereditary neoplastic syndrome; Tumor predisposition; Neoplastic Syndromes, Hereditary. Identifiers: Orphanet 140162, MedGen C0027672, MeSH D009386, MONDO:0015356.
Familial cancer of breast. Also called: hereditary breast carcinoma; BREAST CANCER, FAMILIAL; Hereditary breast cancer. Identifiers: Orphanet 227535, MedGen C0346153, MONDO:0016419, OMIM 114480. Disease mechanism: loss of function.
Fanconi anemia complementation group J. Also called: BRIP1-Related Fanconi Anemia. Identifiers: Orphanet 84, MedGen C1836860, MONDO:0012187, OMIM 609054.

Submissions (2):

Labcorp Genetics (formerly Invitae), Labcorp
Classification: Pathogenic for Familial cancer of breast; Fanconi anemia complementation group J. Last evaluated: 2020-11-23. Review status: criteria provided, single submitter. Criteria: Invitae Variant Classification Sherloc (09022015). Collection method: clinical testing. Allele origin: germline.
Comment: For these reasons, this variant has been classified as Pathogenic. Algorithms developed to predict the effect of sequence changes on RNA splicing suggest that this variant may create or strengthen a splice site, but this prediction has not been confirmed by published transcriptional studies. This variant has not been reported in the literature in individuals with BRIP1-related conditions. This variant is not present in population databases (ExAC no frequency). This sequence change creates a premature translational stop signal (p.Gln64*) in the BRIP1 gene. It is expected to result in an absent or disrupted protein product. Loss-of-function variants in BRIP1 are known to be pathogenic (PMID: 16116423, 17033622, 21964575).

Ambry Genetics
Classification: Pathogenic for Hereditary cancer-predisposing syndrome. Last evaluated: 2018-11-21. Review status: criteria provided, single submitter. Criteria: Ambry Variant Classification Scheme 2023. Collection method: clinical testing. Allele origin: germline.
Comment: The p.Q64* variant (also known as c.190C>T), located in coding exon 2 of the BRIP1 gene, results from a C to T substitution at nucleotide position 190. This changes the amino acid from a glutamine to a stop codon within coding exon 2. This alteration is expected to result in loss of function by premature protein truncation or nonsense-mediated mRNA decay. As such, this alteration is interpreted as a disease-causing mutation.

Literature cited by the submitters: PubMed 16116423 (cited by Labcorp Genetics (formerly Invitae), Labcorp); PubMed 17033622 (cited by Labcorp Genetics (formerly Invitae), Labcorp); PubMed 21964575 (cited by Labcorp Genetics (formerly Invitae), Labcorp).